The following is an entry in ClinVar:

NM_001375567.1(FOCAD):c.4708C>T (p.Arg1570Trp)

Gene: FOCAD (focadhesin; plus strand). Cytogenetic location: 9p21.3.
Variant type: single nucleotide variant.
Coding change: c.4708C>T on transcript NM_001375567.1 (MANE Select); coding-DNA position 4708, C replaced by T.
Protein change: p.Arg1570Trp; replaces arginine 1570 with tryptophan.
Molecular consequence: missense variant.
Genome position (GRCh38, 1-based): chr9:20,982,426, C>T. VCF-style: chr9-20982426-C-T. GRCh37 (hg19) VCF-style: chr9-20982425-C-T.
Other names: c.4603C>T, p.Arg1535Trp (NM_001375568.1, NM_001375570.1); c.4708C>T, p.Arg1570Trp (NM_017794.5); short protein forms R1570W, R1535W.
Identifiers: ClinVar variation 4620166 (VCV004620166.2).

ClinVar aggregate classification (germline): Uncertain significance. Review status: criteria provided, multiple submitters, no conflicts (2 of 4 stars). 2 submissions from 2 submitters: Uncertain significance (2). Last evaluated 2025-12-11.

Conditions:
Inborn genetic diseases. Identifiers: MedGen C0950123, MeSH D030342.

gnomAD v4.1: 19 of 1,613,404 alleles (0.0012%); highest among the groups gnomAD compares: South Asian, 0.0099%; no homozygotes.

Submissions (2):

Ambry Genetics
Classification: Uncertain significance for Inborn genetic diseases. Last evaluated: 2025-12-11. Review status: criteria provided, single submitter. Criteria: Ambry Variant Classification Scheme 2023. Collection method: clinical testing. Allele origin: germline.

Labcorp Genetics (formerly Invitae), Labcorp
Classification: Uncertain significance. Last evaluated: 2025-07-24. Review status: criteria provided, single submitter. Criteria: Invitae Variant Classification Sherloc (09022015). Collection method: clinical testing. Allele origin: germline.
Comment: This sequence change replaces arginine, which is basic and polar, with tryptophan, which is neutral and slightly polar, at codon 1570 of the FOCAD protein (p.Arg1570Trp). This variant is present in population databases (rs767012856, gnomAD 0.01%). This variant has not been reported in the literature in individuals affected with FOCAD-related conditions. Experimental studies and prediction algorithms are not available or were not evaluated, and the functional significance of this variant is currently unknown. In summary, the available evidence is currently insufficient to determine the role of this variant in disease. Therefore, it has been classified as a Variant of Uncertain Significance.